The following is an entry in ClinVar:

ClinVar aggregate classification (germline): Likely benign (1 of 4 stars; one submission).

Conditions:
PLXNA4-related disorder. Also called: PLXNA4-related condition.

Submission:

PreventionGenetics, part of Exact Sciences
Classification: Likely benign for PLXNA4-related condition. Last evaluated: 2025-09-09. Review status: criteria provided, single submitter. Criteria: ACMG Guidelines, 2015. Collection method: clinical testing. Allele origin: germline.
Comment: This variant is classified as likely benign based on ACMG/AMP sequence variant interpretation guidelines (Richards et al. 2015 PMID: 25741868, with internal and published modifications).

NM_020911.2(PLXNA4):c.2859A>G (p.Thr953=)

Gene: PLXNA4 (plexin A4; minus strand). Cytogenetic location: 7q32.3.
Variant type: single nucleotide variant.
Coding change: c.2859A>G on transcript NM_020911.2 (MANE Select); coding-DNA position 2859, A replaced by G.
Protein change: p.Thr953=; no amino-acid change (threonine 953 retained).
Molecular consequence: synonymous variant.
Genome position (GRCh38, 1-based): chr7:132,187,605, T>C on the plus strand (A>G on the coding strand, the complement: PLXNA4 is on the minus strand). VCF-style: chr7-132187605-T-C. GRCh37 (hg19) VCF-style: chr7-131872364-T-C.
Other names: c.2859A>G, p.Thr953= (NM_001393897.1).
Identifiers: ClinVar variation 4993994 (VCV004993994.1).
Genomic context (GRCh38, chr7:132,187,605, plus strand): 5'-GGTCACTTGGGTCCCTCCGGACATGGGCCCCCGGCTGGGCTTCAGATCTGAGAGAGTCAG[T>C]GTCTGTGTAGAAAGGATGTGGCCTGAGACACAACCAGGAAGGGGTGGAGGAGGCTTCTGG-3'
Protein context (NP_065962.1, residues 943-963): ARSSQLYYFM[Thr953=]LTLSDLKPSR